The following is an entry in ClinVar:

ClinVar aggregate classification (germline): Uncertain significance (1 of 4 stars; one submission).

Conditions:
Alpha-methylacyl-CoA racemase deficiency (AMACRD). Also called: AMACR deficiency. Identifiers: Orphanet 79095, MedGen C3280428, MONDO:0013681, OMIM 614307. Disease mechanism: loss of function.

Allele frequency attached by ClinVar (database versions not stated): gnomAD exomes below 0.00001; gnomAD 0.00001; TOPMed 0.00001.
gnomAD v4.1: 3 of 1,614,082 alleles (0.00019%); highest among the groups gnomAD compares: Admixed American, 0.0033%; no homozygotes.

Submission:

Labcorp Genetics (formerly Invitae), Labcorp
Classification: Uncertain significance for Alpha-methylacyl-CoA racemase deficiency. Last evaluated: 2024-10-17. Review status: criteria provided, single submitter. Criteria: Invitae Variant Classification Sherloc (09022015). Collection method: clinical testing. Allele origin: germline.
Comment: This sequence change replaces methionine, which is neutral and non-polar, with threonine, which is neutral and polar, at codon 85 of the AMACR protein (p.Met85Thr). This variant is present in population databases (no rsID available, gnomAD 0.003%). This variant has not been reported in the literature in individuals affected with AMACR-related conditions. ClinVar contains an entry for this variant (Variation ID: 1374225). Invitae Evidence Modeling of protein sequence and biophysical properties (such as structural, functional, and spatial information, amino acid conservation, physicochemical variation, residue mobility, and thermodynamic stability) has been performed for this missense variant. However, the output from this modeling did not meet the statistical confidence thresholds required to predict the impact of this variant on AMACR protein function. In summary, the available evidence is currently insufficient to determine the role of this variant in disease. Therefore, it has been classified as a Variant of Uncertain Significance.

NM_014324.6(AMACR):c.254T>C (p.Met85Thr)

Genes: AMACR (alpha-methylacyl-CoA racemase; minus strand), C1QTNF3-AMACR (C1QTNF3-AMACR readthrough (NMD candidate); minus strand). Cytogenetic location: 5p13.2.
Variant type: single nucleotide variant.
Coding change: c.254T>C on transcript NM_014324.6 (MANE Select); coding-DNA position 254, T replaced by C.
Protein change: p.Met85Thr; replaces methionine 85 with threonine.
Molecular consequence: missense variant. On other transcripts: non-coding transcript variant (1).
Genome position (GRCh38, 1-based): chr5:34,005,893, A>G on the plus strand (T>C on the coding strand, the complement: AMACR is on the minus strand). VCF-style: chr5-34005893-A-G. GRCh37 (hg19) VCF-style: chr5-34005998-A-G.
Other names: c.254T>C, p.Met85Thr (NM_001167595.2, NM_203382.3); short protein forms M85T.
Identifiers: ClinVar variation 1374225 (VCV001374225.8), dbSNP rs936948409, ClinGen allele CA116870966.
Genomic context (GRCh38, chr5:34,005,893, plus strand): 5'-GCATAAATAAGCCTTGGATTTTCCCGCTGCAGAATCTCTGGGCCCAGCTGGAGTTTCTCC[A>G]TGACACCTTAAGAGAAAAGTAACGATCTTCTTAAGAGAGTATGAATTGAGGATGGAGATA-3'
Protein context (NP_055139.4, residues 75-95): VLLEPFRRGV[Met85Thr]EKLQLGPEIL